The following is an entry in ClinVar:

ClinVar aggregate classification (germline): Uncertain significance. Review status: criteria provided, multiple submitters, no conflicts (2 of 4 stars). 2 submissions from 2 submitters: Uncertain significance (2). Last evaluated 2026-03-17.

Allele frequency attached by ClinVar (database versions not stated): gnomAD exomes below 0.00001; ExAC 0.00002.
gnomAD v4.1: 3 of 1,211,481 alleles (0.00025%); highest among the groups gnomAD compares: Non-Finnish European, 0.00034%; no homozygotes.

Submissions (2):

Women's Health and Genetics/Laboratory Corporation of America, LabCorp
Classification: Uncertain significance. Last evaluated: 2026-03-17. Review status: criteria provided, single submitter. Criteria: LabCorp Variant Classification Summary - May 2015. Collection method: clinical testing. Allele origin: germline.
Comment: Variant summary: NEXMIF c.1207A>G (p.Asn403Asp) results in a conservative amino acid change in the encoded protein sequence. Algorithms developed to predict the effect of missense changes on protein structure and function all suggest that this variant is likely to be tolerated. The variant allele was found at a frequency of 1.1e-05 in 182296 control chromosomes. The available data on variant occurrences in the general population are insufficient to allow any conclusion about variant significance. To our knowledge, no occurrence of c.1207A>G in individuals affected with NEXMIF-related conditions and no experimental evidence demonstrating its impact on protein function have been reported. ClinVar contains an entry for this variant (Variation ID: 2983455). Based on the evidence outlined above, the variant was classified as uncertain significance.

Labcorp Genetics (formerly Invitae), Labcorp
Classification: Uncertain significance. Last evaluated: 2023-10-03. Review status: criteria provided, single submitter. Criteria: Invitae Variant Classification Sherloc (09022015). Collection method: clinical testing. Allele origin: germline.
Comment: This sequence change replaces asparagine, which is neutral and polar, with aspartic acid, which is acidic and polar, at codon 403 of the NEXMIF protein (p.Asn403Asp). This variant is present in population databases (rs746451764, gnomAD 0.003%). This variant has not been reported in the literature in individuals affected with NEXMIF-related conditions. An algorithm developed to predict the effect of missense changes on protein structure and function (PolyPhen-2) suggests that this variant is likely to be tolerated. In summary, the available evidence is currently insufficient to determine the role of this variant in disease. Therefore, it has been classified as a Variant of Uncertain Significance.

NM_001008537.3(NEXMIF):c.1207A>G (p.Asn403Asp)

Gene: NEXMIF (neurite extension and migration factor; minus strand). Cytogenetic location: Xq13.3.
Variant type: single nucleotide variant.
Coding change: c.1207A>G on transcript NM_001008537.3 (MANE Select); coding-DNA position 1207, A replaced by G.
Protein change: p.Asn403Asp; replaces asparagine 403 with aspartic acid.
Molecular consequence: missense variant.
Genome position (GRCh38, 1-based): chrX:74,743,350, T>C on the plus strand (A>G on the coding strand, the complement: NEXMIF is on the minus strand). VCF-style: chrX-74743350-T-C. GRCh37 (hg19) VCF-style: chrX-73963185-T-C.
Other names: short protein forms N403D.
Identifiers: ClinVar variation 2983455 (VCV002983455.4), dbSNP rs746451764, ClinGen allele CA10455139.